The following is an entry in ClinVar:

NM_207122.2(EXT2):c.995G>A (p.Ser332Asn)

Gene: EXT2 (exostosin glycosyltransferase 2; plus strand). Cytogenetic location: 11p11.2.
Variant type: single nucleotide variant.
Coding change: c.995G>A on transcript NM_207122.2 (MANE Select); coding-DNA position 995, G replaced by A.
Protein change: p.Ser332Asn; replaces serine 332 with asparagine.
Molecular consequence: missense variant.
Genome position (GRCh38, 1-based): chr11:44,126,871, G>A. VCF-style: chr11-44126871-G-A. GRCh37 (hg19) VCF-style: chr11-44148421-G-A.
Other names: c.1094G>A, p.Ser365Asn (NM_000401.3); c.995G>A, p.Ser332Asn (NM_001178083.3, NM_001389628.1, NM_001389630.1); short protein forms S332N, S365N.
Identifiers: ClinVar variation 1503386 (VCV001503386.6), dbSNP rs148493676, ClinGen allele CA221467996.

ClinVar aggregate classification (germline): Uncertain significance (1 of 4 stars; one submission).

Conditions:
Exostoses, multiple, type 2 (EXT2). Also called: Hereditary Multiple Osteochondromatosis, Type II; EXOSTOSES, MULTIPLE, TYPE II. Identifiers: Orphanet 321, MedGen C1851413, MONDO:0007586, OMIM 133701.

Allele frequency attached by ClinVar (database versions not stated): gnomAD exomes 0.00001; gnomAD 0.00003 and 0.00004; TOPMed 0.00003; ESP Exome Variant Server 0.00008.
gnomAD v4.1: 13 of 1,614,078 alleles (0.00081%); highest among the groups gnomAD compares: African/African-American, 0.0093%; no homozygotes.

Submission:

Labcorp Genetics (formerly Invitae), Labcorp
Classification: Uncertain significance for Exostoses, multiple, type 2. Last evaluated: 2022-10-05. Review status: criteria provided, single submitter. Criteria: Invitae Variant Classification Sherloc (09022015). Collection method: clinical testing. Allele origin: germline.
Comment: In summary, the available evidence is currently insufficient to determine the role of this variant in disease. Therefore, it has been classified as a Variant of Uncertain Significance. Advanced modeling of protein sequence and biophysical properties (such as structural, functional, and spatial information, amino acid conservation, physicochemical variation, residue mobility, and thermodynamic stability) performed at Invitae indicates that this missense variant is expected to disrupt EXT2 protein function. ClinVar contains an entry for this variant (Variation ID: 1503386). This variant has not been reported in the literature in individuals affected with EXT2-related conditions. This variant is present in population databases (rs148493676, gnomAD 0.01%). This sequence change replaces serine, which is neutral and polar, with asparagine, which is neutral and polar, at codon 332 of the EXT2 protein (p.Ser332Asn).